The following is an entry in ClinVar:

NM_181078.3(IL21R):c.835C>A (p.Pro279Thr)

Gene: IL21R (interleukin 21 receptor; plus strand). Cytogenetic location: 16p12.1.
Variant type: single nucleotide variant.
Coding change: c.835C>A on transcript NM_181078.3 (MANE Select); coding-DNA position 835, C replaced by A.
Protein change: p.Pro279Thr; replaces proline 279 with threonine.
Molecular consequence: missense variant.
Genome position (GRCh38, 1-based): chr16:27,446,056, C>A. VCF-style: chr16-27446056-C-A. GRCh37 (hg19) VCF-style: chr16-27457377-C-A.
Other names: c.835C>A, p.Pro279Thr (NM_021798.4); c.901C>A, p.Pro301Thr (NM_181079.5); c.901C>A (NM_181079.4); short protein forms P279T, P301T.
Identifiers: ClinVar variation 2128971 (VCV002128971.5), dbSNP rs2087472224, ClinGen allele CA395305191.

ClinVar aggregate classification (germline): Uncertain significance. Review status: criteria provided, multiple submitters, no conflicts (2 of 4 stars). 2 submissions from 2 submitters: Uncertain significance (2). Last evaluated 2025-08-23.

Conditions:
Cryptosporidiosis-chronic cholangitis-liver disease syndrome. Also called: IL21R immunodeficiency; Immunodeficiency type 56. Identifiers: Orphanet 357329, MedGen C3554687, MONDO:0014082, OMIM 615207.
Inborn genetic diseases. Identifiers: MedGen C0950123, MeSH D030342.

gnomAD v4.1: 2 of 1,613,754 alleles (0.00012%); highest among the groups gnomAD compares: Non-Finnish European, 0.00017%; no homozygotes.

Submissions (2):

Ambry Genetics
Classification: Uncertain significance for Inborn genetic diseases. Last evaluated: 2025-08-23. Review status: criteria provided, single submitter. Criteria: Ambry Variant Classification Scheme 2023. Collection method: clinical testing. Allele origin: germline.

Labcorp Genetics (formerly Invitae), Labcorp
Classification: Uncertain significance for Cryptosporidiosis-chronic cholangitis-liver disease syndrome. Last evaluated: 2022-04-21. Review status: criteria provided, single submitter. Criteria: Invitae Variant Classification Sherloc (09022015). Collection method: clinical testing. Allele origin: germline.
Comment: This sequence change replaces proline, which is neutral and non-polar, with threonine, which is neutral and polar, at codon 279 of the IL21R protein (p.Pro279Thr). This variant is not present in population databases (gnomAD no frequency). This variant has not been reported in the literature in individuals affected with IL21R-related conditions. Algorithms developed to predict the effect of missense changes on protein structure and function (SIFT, PolyPhen-2, Align-GVGD) all suggest that this variant is likely to be disruptive. In summary, the available evidence is currently insufficient to determine the role of this variant in disease. Therefore, it has been classified as a Variant of Uncertain Significance.